The following is an entry in ClinVar:

NM_001298.3(CNGA3):c.1712T>A (p.Ile571Asn)

Gene: CNGA3 (cyclic nucleotide gated channel subunit alpha 3; plus strand). Cytogenetic location: 2q11.2.
Variant type: single nucleotide variant.
Coding change: c.1712T>A on transcript NM_001298.3 (MANE Select); coding-DNA position 1712, T replaced by A.
Protein change: p.Ile571Asn; replaces isoleucine 571 with asparagine.
Molecular consequence: missense variant.
Genome position (GRCh38, 1-based): chr2:98,396,882, T>A. VCF-style: chr2-98396882-T-A. GRCh37 (hg19) VCF-style: chr2-99013345-T-A.
Other names: c.1658T>A, p.Ile553Asn (NM_001079878.2); short protein forms I553N, I571N.
Identifiers: ClinVar variation 1061913 (VCV001061913.8), dbSNP rs750456621, ClinGen allele CA1794075.
Genomic context (GRCh38, chr2:98,396,882, plus strand): 5'-GCATTCTGAACATCAAGGGGAGCAAGTCGGGGAACCGCAGGACGGCCAACATCCGCAGCA[T>A]TGGCTACTCAGACCTGTTCTGCCTCTCAAAGGACGATCTCATGGAGGCCCTCACCGAGTA-3'
Protein context (NP_001289.1, residues 561-581): GNRRTANIRS[Ile571Asn]GYSDLFCLSK

ClinVar aggregate classification (germline): Likely pathogenic. Review status: criteria provided, multiple submitters, no conflicts (2 of 4 stars). 2 submissions from 2 submitters: Likely pathogenic (2). Last evaluated 2024-10-16.

Conditions:
CNGA3-related disorders.

gnomAD v4.1: 4 of 1,614,038 alleles (0.00025%); highest among the groups gnomAD compares: African/African-American, 0.0053%; no homozygotes.

Submissions (2):

Labcorp Genetics (formerly Invitae), Labcorp
Classification: Likely pathogenic. Last evaluated: 2024-10-16. Review status: criteria provided, single submitter. Criteria: Invitae Variant Classification Sherloc (09022015). Collection method: clinical testing. Allele origin: germline.
Comment: This sequence change replaces isoleucine, which is neutral and non-polar, with asparagine, which is neutral and polar, at codon 571 of the CNGA3 protein (p.Ile571Asn). This variant is present in population databases (rs750456621, gnomAD 0.02%). This variant has not been reported in the literature in individuals affected with CNGA3-related conditions. ClinVar contains an entry for this variant (Variation ID: 1061913). Invitae Evidence Modeling of protein sequence and biophysical properties (such as structural, functional, and spatial information, amino acid conservation, physicochemical variation, residue mobility, and thermodynamic stability) has been performed for this missense variant. However, the output from this modeling did not meet the statistical confidence thresholds required to predict the impact of this variant on CNGA3 protein function. This variant disrupts the p.Ile571 amino acid residue in CNGA3. Other variant(s) that disrupt this residue have been determined to be pathogenic (PMID: 32869108). This suggests that this residue is clinically significant, and that variants that disrupt this residue are likely to be disease-causing. In summary, the currently available evidence indicates that the variant is pathogenic, but additional data are needed to prove that conclusively. Therefore, this variant has been classified as Likely Pathogenic.

Blueprint Genetics
Classification: Likely pathogenic for CNGA3-related disorders. Last evaluated: 2022-04-19. Review status: criteria provided, single submitter. Criteria: ACMG Guidelines, 2015. Collection method: clinical testing. Allele origin: germline. Affected: yes. Observed: 1 variant allele.

Literature cited by the submitters: PubMed 32869108 (cited by Labcorp Genetics (formerly Invitae), Labcorp).